The following is an entry in ClinVar:

NM_001048174.2(MUTYH):c.1143_1144dup (p.Glu382fs)

Gene: MUTYH (mutY DNA glycosylase; minus strand). Cytogenetic location: 1p34.1.
Variant type: Duplication.
Coding change: c.1143_1144dup on transcript NM_001048174.2 (MANE Select); coding-DNA positions 1143 to 1144, 2 bases duplicated (GG; older notation c.1143_1144dupGG).
Protein change: p.Glu382fs; shifts the reading frame from glutamic acid 382.
Molecular consequence: frameshift variant. On other transcripts: non-coding transcript variant (2).
Genome position (GRCh38, 1-based): chr1:45,331,515-45,331,516, CC duplicated on the plus strand (GG on the coding strand, the reverse complement: MUTYH is on the minus strand); duplicating any 2 consecutive bases within chr1:45,331,515-45,331,517 gives the same sequence; the c. name uses the placement nearest the transcript's 3' end. VCF-style (leftmost placement, unchanged base first): chr1-45331514-T-TCC. GRCh37 (hg19) VCF-style: chr1-45797186-T-TCC.
Other names: p.Glu410GlyfsX43; p.Glu410Glyfs*43; c.1227_1228dupGG (NM_001128425.1, NM_001128425.2); c.1185_1186dupGG (NM_001048171.1); c.1143_1144dup, p.Glu382fs (NM_001048171.2, NM_001048173.2, NM_001293195.2); c.1146_1147dup, p.Glu383fs (NM_001048172.2); c.1227_1228dup, p.Glu410fs (NM_001128425.2); c.1188_1189dup, p.Glu397fs (NM_001293190.2); and 4 more; short protein forms E383fs, E407fs, E267fs, E290fs, E382fs, E393fs, E397fs, E410fs.
Identifiers: ClinVar variation 127831 (VCV000127831.76), dbSNP rs587780078, ClinGen allele CA011586.

ClinVar aggregate classification (germline): Pathogenic/Likely pathogenic. Review status: criteria provided, multiple submitters, no conflicts (2 of 4 stars). 32 submissions from 32 submitters: Pathogenic (24); Likely pathogenic (1). 7 of the submissions do not count toward it. Last evaluated 2026-10-01.

Conditions:
Familial adenomatous polyposis 2. Also called: MYH-associated polyposis; FAP type 2; MUTYH-associated polyposis; MUTYH Polyposis; Adenomas, multiple colorectal; COLORECTAL ADENOMATOUS POLYPOSIS, AUTOSOMAL RECESSIVE. Identifiers: Orphanet 220460, Orphanet 247798, MedGen C3272841, MONDO:0012041, OMIM 608456.
Gastric cancer. Also called: Malignant tumor of stomach; Stomach cancer. Identifiers: MedGen C0024623, MeSH D013274, MONDO:0001056, OMIM 613659, HP:0012126.
MUTYH-related disorder. Also called: MUTYH-related disorders; MUTYH-related condition.
Hereditary cancer-predisposing syndrome. Also called: Neoplastic Syndromes, Hereditary; Hereditary Cancer Syndrome; Tumor predisposition; Hereditary neoplastic syndrome. Identifiers: Orphanet 140162, MedGen C0027672, MeSH D009386, MONDO:0015356.
Carcinoma of colon (CRC). Also called: Colonic carcinoma; Colon carcinoma. Identifiers: MedGen C0699790, MONDO:0002032.

Submissions 1 to 10 of 32:

St. Jude Molecular Pathology, St. Jude Children's Research Hospital
Classification: Pathogenic for Familial adenomatous polyposis 2. Last evaluated: 2026-10-01. Review status: criteria provided, single submitter. Criteria: St. Jude Assertion Criteria 2020. Collection method: clinical testing. Allele origin: germline.
Comment: The MUTYH c.1227_1228dup p.(Glu410GlyfsTer43) change duplicates two nucleotides to cause a frameshift and the creation of a premature stop codon. This change is predi cted to cause protein truncation or absence of protein due to nonsense-mediated decay. This variant has been reported in the compound heterozygous state in individuals with polyposis (PMID: 24470512). This variant has a maximum subpopulation frequency of 0.09% in gnomAD v2.1.1. In summary, this variant meets criteria to be classified as pathogenic.

PreventionGenetics, part of Exact Sciences
Classification: Pathogenic for MUTYH-related condition. Last evaluated: 2026-04-28. Review status: criteria provided, single submitter. Criteria: ACMG Guidelines, 2015. Collection method: clinical testing. Allele origin: germline.
Comment: The MUTYH c.1227_1228dupGG variant is predicted to result in a frameshift and premature protein termination (p.Glu410Glyfs*43). This variant has been reported in the homozygous and compound heterozygous states in individuals with MUTYH-associated polyposis (Venesio et al. 2004. PubMed ID: 15188161, reported as 1187insGG; Abdelmaksoud-Dammak et al. 2012. PubMed ID: 22744763). In addition, this variant has been reported in an individual with cervical carcinoma and breast cancer (Vogt et al. 2009. PubMed ID: 19732775). This variant is reported in 0.087% of alleles in individuals of Latino descent in gnomAD and is interpreted as likely pathogenic and pathogenic in ClinVar (Variation ID: 127831). Frameshift variants in MUTYH are expected to be pathogenic. This variant is interpreted as pathogenic.

Labcorp Genetics (formerly Invitae), Labcorp
Classification: Pathogenic for Familial adenomatous polyposis 2. Last evaluated: 2026-01-13. Review status: criteria provided, single submitter. Criteria: Invitae Variant Classification Sherloc (09022015). Collection method: clinical testing. Allele origin: germline.
Comment: This sequence change creates a premature translational stop signal (p.Glu410Glyfs*43) in the MUTYH gene. It is expected to result in an absent or disrupted protein product. Loss-of-function variants in MUTYH are known to be pathogenic (PMID: 18534194, 20663686). This variant is present in population databases (rs587780078, gnomAD 0.09%). This premature translational stop signal has been observed in individual(s) with polyposis, colorectal cancer, breast cancer, and cervical cancer (PMID: 15188161, 15366000, 19531215, 19732775). This variant is also known as c.1186_1187insGG (p.Glu396GlyfsX43). ClinVar contains an entry for this variant (Variation ID: 127831). For these reasons, this variant has been classified as Pathogenic.

Center for Genomic Medicine, Rigshospitalet, Copenhagen University Hospital
Classification: Pathogenic. Last evaluated: 2025-12-29. Review status: criteria provided, single submitter. Criteria: ACMG Guidelines, 2015. Collection method: clinical testing. Allele origin: germline.
Comment: Classification criteria: PVS1, PS3, PM3_strong

Department of Clinical Genetics, Copenhagen University Hospital, Rigshospitalet
Classification: Pathogenic for Familial adenomatous polyposis 2. Last evaluated: 2025-11-18. Review status: criteria provided, single submitter. Criteria: ACMG Guidelines, 2015. Collection method: clinical testing. Allele origin: germline. Affected: yes.
Comment: The following ACMG criteria has been used: PVS1; PM3_Very_Strong

Dasa
Classification: Pathogenic. Last evaluated: 2025-09-03. Review status: criteria provided, single submitter. Criteria: DASA Assertion Criteria. Collection method: clinical testing. Allele origin: germline.
Comment: NM_001048174.2(MUTYH):c.1143_1144dup (p.Glu382Glyfs*43) introduces a premature termination codon predicted to result in loss of normal protein function. Loss-of-function is an established mechanism of disease for this gene. This variant has been recurrently observed in individuals with related phenotype (PMID: 15366000; PMID: 19531215; PMID: 19732775). The variant is present at low frequency in population datasets. Based on the available data, this variant is classified as pathogenic.

Mayo Clinic Laboratories, Mayo Clinic
Classification: Pathogenic. Last evaluated: 2025-07-17. Review status: criteria provided, single submitter. Criteria: ACMG Guidelines, 2015. Collection method: clinical testing. Allele origin: germline. Observed: 1 variant allele.
Comment: PP1, PM3_strong, PS4_moderate, PVS1

Color Diagnostics, LLC DBA Color Health
Classification: Pathogenic for Hereditary cancer-predisposing syndrome. Last evaluated: 2025-03-04. Review status: criteria provided, single submitter. Criteria: ACMG Guidelines, 2015. Collection method: clinical testing. Allele origin: germline.
Comment: This variant inserts 2 nucleotides in exon 13 of the MUTYH gene, creating a frameshift and premature translation stop signal. This variant is expected to result in an absent or non-functional protein product. This variant is also known as c.1185_1186dupGG, c.1186_1187insGG and 1187insGG based on a different transcript (NM_001048171.1). This variant has been reported in multiple individuals affected with polyposis and colorectal cancer in homozygous state (PMID: 15366000, 17122612, 19531215, 19732775) and in compound heterozygous state with a known pathogenic variant in the same gene (PMID: 15188161, 22744763). It has also been reported in multiple individuals affected with polyposis with unspecified genotype (PMID: 27829682). A study of 36 families affected with polyposis has determined this variant to be a founder mutation in the North African population (PMID: 21443744). This variant has also been reported in a heterozygous individual suspected of having Lynch syndrome (PMID: 25980754). This variant has been identified in 40/282334 chromosomes (31/35430 Latino chromosomes) in the general population by the Genome Aggregation Database (gnomAD). Loss of MUTYH function is a known mechanism of disease. Based on the available evidence, this variant is classified as Pathogenic.

Catlab - Consorci Sanitari de Terrassa
Classification: Pathogenic for Hereditary cancer-predisposing syndrome. Last evaluated: 2025-02-19. Review status: criteria provided, single submitter. Criteria: ACMG Guidelines, 2015. Collection method: clinical testing. Allele origin: germline.
Comment: Based on currently available information, this variant should be considered as Pathogenic according to ACMG Richards 2015 guidelines. PVS1, PP1_very strong, PM3_very strong, PM2_supp.

CeGaT Center for Human Genetics Tuebingen
Classification: Pathogenic. Last evaluated: 2024-12-01. Review status: criteria provided, single submitter. Criteria: CeGaT Center For Human Genetics Tuebingen Variant Classification Criteria Version 2. Collection method: clinical testing. Allele origin: germline. Affected: yes. Observed: 1 variant allele.
Comment: MUTYH: PVS1, PS3:Supporting, PS4:Supporting